The following is an entry in ClinVar:

ClinVar aggregate classification (germline): Benign (1 of 4 stars; one submission).

Allele frequency attached by ClinVar (database versions not stated): TOPMed 0.53316; 1000 Genomes Project 0.56989; gnomAD 0.49879; 1000 Genomes Project 30x 0.57495.
gnomAD v4.1: 78,836 of 152,088 alleles (52%); highest among the groups gnomAD compares: African/African-American, 68%; 21,450 homozygotes.

Submission:

GeneDx
Classification: Benign. Last evaluated: 2018-06-20. Review status: criteria provided, single submitter. Criteria: GeneDx Variant Classification (06012015). Collection method: clinical testing. Allele origin: germline. Affected: yes.
Comment: This variant is considered likely benign or benign based on one or more of the following criteria: it is a conservative change, it occurs at a poorly conserved position in the protein, it is predicted to be benign by multiple in silico algorithms, and/or has population frequency not consistent with disease.

NM_024577.4(SH3TC2):c.386-195T>C

Gene: SH3TC2 (SH3 domain and tetratricopeptide repeats 2; minus strand). Cytogenetic location: 5q32.
Variant type: single nucleotide variant.
Coding change: c.386-195T>C on transcript NM_024577.4 (MANE Select); 195 bases into the intron before coding-DNA position 386, T replaced by C.
Molecular consequence: intron variant.
Genome position (GRCh38, 1-based): chr5:149,043,032, A>G on the plus strand (T>C on the coding strand, the complement: SH3TC2 is on the minus strand). VCF-style: chr5-149043032-A-G. GRCh37 (hg19) VCF-style: chr5-148422595-A-G.
Identifiers: ClinVar variation 670070 (VCV000670070.1), dbSNP rs407696, ClinGen allele CA128998858.